The following is an entry in ClinVar:

NM_198586.3(NHLRC1):c.*336G>A

Gene: NHLRC1 (NHL repeat containing E3 ubiquitin protein ligase 1; minus strand). Cytogenetic location: 6p22.3.
Variant type: single nucleotide variant.
Coding change: c.*336G>A on transcript NM_198586.3 (MANE Select); 336 bases downstream of the stop codon, G replaced by A.
Molecular consequence: 3 prime UTR variant.
Genome position (GRCh38, 1-based): chr6:18,121,083, C>T on the plus strand (G>A on the coding strand, the complement: NHLRC1 is on the minus strand). VCF-style: chr6-18121083-C-T. GRCh37 (hg19) VCF-style: chr6-18121314-C-T.
Identifiers: ClinVar variation 356069 (VCV000356069.7), dbSNP rs10949482, ClinGen allele CA10623460.

ClinVar aggregate classification (germline): Benign. Review status: criteria provided, multiple submitters, no conflicts (2 of 4 stars). 2 submissions from 2 submitters: Benign (2). Last evaluated 2018-06-14.

Conditions:
Lafora disease. Also called: Epilepsy progressive myoclonic 2. Identifiers: Orphanet 501, MedGen C0751783, MONDO:0009697.

Allele frequency attached by ClinVar (database versions not stated): gnomAD exomes 0.03808; 1000 Genomes Project 0.06589; gnomAD 0.06634 and 0.06918; 1000 Genomes Project 30x 0.06793; TOPMed 0.07172.

Submissions (2):

GeneDx
Classification: Benign. Last evaluated: 2018-06-14. Review status: criteria provided, single submitter. Criteria: GeneDx Variant Classification Process June 2021. Collection method: clinical testing. Allele origin: germline. Affected: yes.

Illumina Laboratory Services, Illumina
Classification: Benign for Myoclonic epilepsy of Lafora 1. Last evaluated: 2018-01-12. Review status: criteria provided, single submitter. Criteria: ICSL Variant Classification Criteria 13 December 2019. Collection method: clinical testing. Allele origin: germline.
Comment: This variant was observed in the ICSL laboratory as part of a predisposition screen in an ostensibly healthy population. It had not been previously curated by ICSL or reported in the Human Gene Mutation Database (HGMD: prior to June 1st, 2018), and was therefore a candidate for classification through an automated scoring system. Utilizing variant allele frequency, disease prevalence and penetrance estimates, and inheritance mode, an automated score was calculated to assess if this variant is too frequent to cause the disease. Based on the score and internal cut-off values, a variant classified as benign is not then subjected to further curation. The score for this variant resulted in a classification of benign for this disease.